The following is an entry in ClinVar:

ClinVar aggregate classification (germline): Uncertain significance. Review status: criteria provided, multiple submitters, no conflicts (2 of 4 stars). 2 submissions from 2 submitters: Uncertain significance (2). Last evaluated 2025-08-04.

Conditions:
Inborn genetic diseases. Identifiers: MedGen C0950123, MeSH D030342.

Allele frequency attached by ClinVar (database versions not stated): gnomAD exomes below 0.00001 and 0.00001; ExAC 0.00001; gnomAD 0.00001; TOPMed 0.00002.
gnomAD v4.1: 16 of 1,613,730 alleles (0.00099%); highest among the groups gnomAD compares: East Asian, 0.0022%; no homozygotes.

Submissions (2):

Ambry Genetics
Classification: Uncertain significance for Inborn genetic diseases. Last evaluated: 2025-08-04. Review status: criteria provided, single submitter. Criteria: Ambry Variant Classification Scheme 2023. Collection method: clinical testing. Allele origin: germline.

Labcorp Genetics (formerly Invitae), Labcorp
Classification: Uncertain significance. Last evaluated: 2025-03-17. Review status: criteria provided, single submitter. Criteria: Invitae Variant Classification Sherloc (09022015). Collection method: clinical testing. Allele origin: germline.
Comment: This sequence change replaces glutamine, which is neutral and polar, with histidine, which is basic and polar, at codon 1069 of the ADGRV1 protein (p.Gln1069His). This variant is present in population databases (rs752187075, gnomAD 0.002%). This variant has not been reported in the literature in individuals affected with ADGRV1-related conditions. ClinVar contains an entry for this variant (Variation ID: 1347020). Invitae Evidence Modeling of protein sequence and biophysical properties (such as structural, functional, and spatial information, amino acid conservation, physicochemical variation, residue mobility, and thermodynamic stability) indicates that this missense variant is not expected to disrupt ADGRV1 protein function with a negative predictive value of 95%. In summary, the available evidence is currently insufficient to determine the role of this variant in disease. Therefore, it has been classified as a Variant of Uncertain Significance.

NM_032119.4(ADGRV1):c.3207G>T (p.Gln1069His)

Gene: ADGRV1 (adhesion G protein-coupled receptor V1; plus strand). Cytogenetic location: 5q14.3.
Variant type: single nucleotide variant.
Coding change: c.3207G>T on transcript NM_032119.4 (MANE Select); coding-DNA position 3207, G replaced by T.
Protein change: p.Gln1069His; replaces glutamine 1069 with histidine.
Molecular consequence: missense variant. On other transcripts: non-coding transcript variant (1).
Genome position (GRCh38, 1-based): chr5:90,647,682, G>T. VCF-style: chr5-90647682-G-T. GRCh37 (hg19) VCF-style: chr5-89943499-G-T.
Other names: c.3207G>T (NM_032119.3); short protein forms Q1069H.
Identifiers: ClinVar variation 1347020 (VCV001347020.7), dbSNP rs752187075, ClinGen allele CA3339123.